The following is an entry in ClinVar:

NM_213599.3(ANO5):c.1538C>T (p.Thr513Ile)

Gene: ANO5 (anoctamin 5; plus strand). Cytogenetic location: 11p14.3.
Variant type: single nucleotide variant.
Coding change: c.1538C>T on transcript NM_213599.3 (MANE Select); coding-DNA position 1538, C replaced by T.
Protein change: p.Thr513Ile; replaces threonine 513 with isoleucine.
Molecular consequence: missense variant.
Genome position (GRCh38, 1-based): chr11:22,259,649, C>T. VCF-style: chr11-22259649-C-T. GRCh37 (hg19) VCF-style: chr11-22281195-C-T.
Other names: c.1535C>T, p.Thr512Ile (NM_001142649.2); short protein forms T513I, T512I.
Identifiers: ClinVar variation 288853 (VCV000288853.22), dbSNP rs281865467, ClinGen allele CA10606250.
Genomic context (GRCh38, chr11:22,259,649, plus strand): 5'-GTTTCATGGAAAGTGATGCATCCTTAAAGCAGGTCAAAAGCTTCCTTACTCCTCAGATAA[C>T]CACATCACTCACAGGATCATGCTTGAACTTTATTGTCATCTTGATCTTGAATTTCTTTTA-3'
Protein context (NP_998764.1, residues 503-523): QVKSFLTPQI[Thr513Ile]TSLTGSCLNF

ClinVar aggregate classification (germline): Conflicting classifications of pathogenicity. Review status: criteria provided, conflicting classifications (1 of 4 stars). 4 submissions from 4 submitters: Pathogenic (1); Likely pathogenic (2); Uncertain significance (1). Last evaluated 2023-08-10.

Conditions:
Autosomal recessive limb-girdle muscular dystrophy type 2L (LGMDR12). Also called: Limb-girdle muscular dystrophy, type 2L; Limb-Girdle Muscular Dystrophy R12 Anoctamin-5-Related (LGMD-R12); MUSCULAR DYSTROPHY, LIMB-GIRDLE, AUTOSOMAL RECESSIVE 12. Identifiers: Orphanet 206549, MedGen C1969785, MONDO:0012652, OMIM 611307.
Gnathodiaphyseal dysplasia (GDD). Also called: GNATHODIAPHYSEAL SCLEROSIS; OSTEOGENESIS IMPERFECTA WITH UNUSUAL SKELETAL LESIONS. Identifiers: Orphanet 53697, MedGen C1833736, MONDO:0008151, OMIM 166260.

Submissions (4):

Labcorp Genetics (formerly Invitae), Labcorp
Classification: Pathogenic for Autosomal recessive limb-girdle muscular dystrophy type 2L; Gnathodiaphyseal dysplasia. Last evaluated: 2023-08-10. Review status: criteria provided, single submitter. Criteria: Invitae Variant Classification Sherloc (09022015). Collection method: clinical testing. Allele origin: germline.
Comment: Advanced modeling of protein sequence and biophysical properties (such as structural, functional, and spatial information, amino acid conservation, physicochemical variation, residue mobility, and thermodynamic stability) has been performed at Invitae for this missense variant, however the output from this modeling did not meet the statistical confidence thresholds required to predict the impact of this variant on ANO5 protein function. This sequence change replaces threonine, which is neutral and polar, with isoleucine, which is neutral and non-polar, at codon 513 of the ANO5 protein (p.Thr513Ile). This variant is not present in population databases (gnomAD no frequency). This missense change has been observed in individual(s) with autosomal dominant gnathodiaphyseal dysplasia (PMID: 23047743). It has also been observed to segregate with disease in related individuals. ClinVar contains an entry for this variant (Variation ID: 288853). Experimental studies have shown that this missense change affects ANO5 function (PMID: 29124309). For these reasons, this variant has been classified as Pathogenic.

GeneDx
Classification: Likely pathogenic. Last evaluated: 2020-11-10. Review status: criteria provided, single submitter. Criteria: GeneDx Variant Classification Process June 2021. Collection method: clinical testing. Allele origin: germline. Affected: yes.
Comment: Published functional studies demonstrate that T513I leads to phospholipid scrambling, suggesting a gain-of-function effect (Di Zanni et al., 2017); Not observed in large population cohorts (Lek et al., 2016); This variant is associated with the following publications: (PMID: 32112655, 28176803, 27216912, 29175271, 29124309, 23047743)

Revvity Omics, Revvity
Classification: Likely pathogenic. Last evaluated: 2019-06-07. Review status: criteria provided, single submitter. Criteria: ACMG Guidelines, 2015. Collection method: clinical testing. Allele origin: germline.

Eurofins Ntd Llc (ga)
Classification: Uncertain significance. Last evaluated: 2016-06-19. Review status: criteria provided, single submitter. Criteria: EGL Classification Definitions 2015. Collection method: clinical testing. Allele origin: germline. Observed: 2 variant alleles, 1 heterozygote.

Literature cited by the submitters: PubMed 23047743 (cited by Labcorp Genetics (formerly Invitae), Labcorp); PubMed 29124309 (cited by Labcorp Genetics (formerly Invitae), Labcorp).